The following is an entry in ClinVar:

NM_005506.4(SCARB2):c.9A>G (p.Arg3=)

Gene: SCARB2 (scavenger receptor class B member 2; minus strand). Cytogenetic location: 4q21.1.
Variant type: single nucleotide variant.
Coding change: c.9A>G on transcript NM_005506.4 (MANE Select); coding-DNA position 9, A replaced by G.
Protein change: p.Arg3=; no amino-acid change (arginine 3 retained).
Molecular consequence: synonymous variant.
Genome position (GRCh38, 1-based): chr4:76,213,535, T>C on the plus strand (A>G on the coding strand, the complement: SCARB2 is on the minus strand). VCF-style: chr4-76213535-T-C. GRCh37 (hg19) VCF-style: chr4-77134688-T-C.
Other names: c.9A>G, p.Arg3= (NM_001204255.2).
Identifiers: ClinVar variation 507452 (VCV000507452.13), dbSNP rs148558907, ClinGen allele CA2970441.

ClinVar aggregate classification (germline): Likely benign. Review status: criteria provided, multiple submitters, no conflicts (2 of 4 stars). 4 submissions from 4 submitters: Likely benign (4). Last evaluated 2026-06-18.

Conditions:
SCARB2-related disorder. Also called: SCARB2-related condition.
Progressive myoclonic epilepsy. Also called: Progressive myoclonus epilepsy; Familial progressive myoclonic epilepsy; Myoclonic Epilepsies, Progressive; Myoclonus epilepsy. Identifiers: Orphanet 308, Orphanet 98261, MedGen C0751778, MONDO:0020074.

Allele frequency attached by ClinVar (database versions not stated): ExAC 0.00001; TOPMed 0.00002; gnomAD exomes 0.00004.
gnomAD v4.1: 65 of 1,608,804 alleles (0.004%); highest among the groups gnomAD compares: Non-Finnish European, 0.0053%; no homozygotes.

Submissions (4):

PreventionGenetics, part of Exact Sciences
Classification: Likely benign for SCARB2-related condition. Last evaluated: 2026-06-18. Review status: criteria provided, single submitter. Criteria: ACMG Guidelines, 2015. Collection method: clinical testing. Allele origin: germline.
Comment: This variant is classified as likely benign based on ACMG/AMP sequence variant interpretation guidelines (Richards et al. 2015 PMID: 25741868, with internal and published modifications).

Labcorp Genetics (formerly Invitae), Labcorp
Classification: Likely benign for Progressive myoclonic epilepsy. Last evaluated: 2025-11-03. Review status: criteria provided, single submitter. Criteria: Invitae Variant Classification Sherloc (09022015). Collection method: clinical testing. Allele origin: germline.

Athena Diagnostics
Classification: Likely benign. Last evaluated: 2024-10-07. Review status: criteria provided, single submitter. Criteria: Athena Diagnostics Criteria. Collection method: clinical testing. Allele origin: unknown.

GeneDx
Classification: Likely benign. Last evaluated: 2020-06-10. Review status: criteria provided, single submitter. Criteria: GeneDx Variant Classification Process June 2021. Collection method: clinical testing. Allele origin: germline. Affected: yes.